The following is an entry in ClinVar:

ClinVar aggregate classification (germline): Uncertain significance (1 of 4 stars; one submission).

Submission:

Greenwood Genetic Center Diagnostic Laboratories, Greenwood Genetic Center
Classification: Uncertain significance. Last evaluated: 2025-04-15. Review status: criteria provided, single submitter. Criteria: ACMG Guidelines, 2015. Collection method: clinical testing. Allele origin: germline. Affected: yes.
Comment: PM2, BP4

NM_001368397.1(FRMPD4):c.2906A>G (p.His969Arg)

Gene: FRMPD4 (FERM and PDZ domain containing 4; plus strand). Cytogenetic location: Xp22.2.
Variant type: single nucleotide variant.
Coding change: c.2906A>G on transcript NM_001368397.1 (MANE Select); coding-DNA position 2906, A replaced by G.
Protein change: p.His969Arg; replaces histidine 969 with arginine.
Molecular consequence: missense variant.
Genome position (GRCh38, 1-based): chrX:12,717,732, A>G. VCF-style: chrX-12717732-A-G. GRCh37 (hg19) VCF-style: chrX-12735851-A-G.
Other names: c.3017A>G, p.His1006Arg (NM_001368395.3, NM_001368398.3); c.2912A>G, p.His971Arg (NM_001368396.3); c.2897A>G, p.His966Arg (NM_001368399.3); c.2786A>G, p.His929Arg (NM_001368400.3); c.2882A>G, p.His961Arg (NM_001368401.1, NM_001368402.3); c.2906A>G, p.His969Arg (NM_014728.3); short protein forms H1006R, H929R, H961R, H966R, H969R, H971R.
Identifiers: ClinVar variation 4538361 (VCV004538361.1).
Genomic context (GRCh38, chrX:12,717,732, plus strand): 5'-AGCAGACCGAGTTCCCGGCCTCCAAGACCCCCGCTGGGGGCTTGCCTCCAAAGTCCTCGC[A>G]CGCCCTGGCTGCTAGGCCAGCAACCGACCTCCCGCCCAAAGTTGTGCCTTCCAAGCAGTT-3'
Protein context (NP_001355326.1, residues 959-979): PAGGLPPKSS[His969Arg]ALAARPATDL